The following is an entry in ClinVar:

NM_145239.3(PRRT2):c.931C>T (p.Arg311Trp)

Genes: MVP-DT (MVP divergent transcript; minus strand), PRRT2 (proline rich transmembrane protein 2; plus strand). Cytogenetic location: 16p11.2.
Variant type: single nucleotide variant.
Coding change: c.931C>T on transcript NM_145239.3 (MANE Select); coding-DNA position 931, C replaced by T.
Protein change: p.Arg311Trp; replaces arginine 311 with tryptophan.
Molecular consequence: missense variant. On other transcripts: 3 prime UTR variant (1).
Genome position (GRCh38, 1-based): chr16:29,814,384, C>T. VCF-style: chr16-29814384-C-T. GRCh37 (hg19) VCF-style: chr16-29825705-C-T.
Other names: p.R311W:CGG>TGG; c.931C>T, p.Arg311Trp (NM_001256442.2); c.*430C>T (NM_001256443.2); short protein forms R311W.
Identifiers: ClinVar variation 206691 (VCV000206691.16), dbSNP rs760521217, ClinGen allele CA317037.

ClinVar aggregate classification (germline): Conflicting classifications of pathogenicity. Review status: criteria provided, conflicting classifications (1 of 4 stars). 5 submissions from 5 submitters: Likely pathogenic (1); Uncertain significance (4). Last evaluated 2025-09-10.

Conditions:
Episodic kinesigenic dyskinesia (EKD). Also called: Paroxysmal kinesigenic dyskinesia. Identifiers: Orphanet 98809, MedGen C1868682, MONDO:0044202.
Episodic kinesigenic dyskinesia 1 (EKD1). Also called: PRRT2-Related Paroxysmal Kinesigenic Dyskinesia (PKD); PxMD-PRRT2; DYSTONIA, FAMILIAL PAROXYSMAL; PAROXYSMAL KINESIGENIC CHOREOATHETOSIS; Dystonia 10. Identifiers: Orphanet 98809, MedGen C4552000, MONDO:0100352, OMIM 128200, MONDO:0007494.
Seizures, benign familial infantile, 2 (BFIS2). Also called: CONVULSIONS, BENIGN FAMILIAL INFANTILE, 2. Identifiers: Orphanet 306, MedGen C1853995, MONDO:0011593, OMIM 605751.
Infantile convulsions and choreoathetosis (ICCA). Also called: PAROXYSMAL KINESIGENIC DYSKINESIA WITH INFANTILE CONVULSIONS; PRRT2-Related Paroxysmal Kinesigenic Dyskinesia with Infantile Convulsions (PKD/IC). Identifiers: Orphanet 31709, MedGen C1865926, MONDO:0011178, OMIM 602066.

Allele frequency attached by ClinVar (database versions not stated): gnomAD 0.00003; ExAC 0.00010; TOPMed 0.00005; gnomAD exomes 0.00006.

Submissions (5):

Genomic Medicine Center of Excellence, King Faisal Specialist Hospital and Research Centre
Classification: Uncertain significance for Episodic kinesigenic dyskinesia 1. Last evaluated: 2025-09-10. Review status: criteria provided, single submitter. Criteria: ACMG Guidelines, 2015. Collection method: clinical testing. Allele origin: germline.

Labcorp Genetics (formerly Invitae), Labcorp
Classification: Uncertain significance for Episodic kinesigenic dyskinesia. Last evaluated: 2023-02-25. Review status: criteria provided, single submitter. Criteria: Invitae Variant Classification Sherloc (09022015). Collection method: clinical testing. Allele origin: germline.
Comment: In summary, the available evidence is currently insufficient to determine the role of this variant in disease. Therefore, it has been classified as a Variant of Uncertain Significance. Experimental studies have shown that this missense change does not substantially affect PRRT2 function (PMID: 30980674, 31124310). Advanced modeling of protein sequence and biophysical properties (such as structural, functional, and spatial information, amino acid conservation, physicochemical variation, residue mobility, and thermodynamic stability) performed at Invitae indicates that this missense variant is expected to disrupt PRRT2 protein function. ClinVar contains an entry for this variant (Variation ID: 206691). This missense change has been observed in individual(s) with clinical features of PRRT2-related conditions (PMID: 26446061, 31130284). This variant is present in population databases (rs760521217, gnomAD 0.02%), and has an allele count higher than expected for a pathogenic variant. This sequence change replaces arginine, which is basic and polar, with tryptophan, which is neutral and slightly polar, at codon 311 of the PRRT2 protein (p.Arg311Trp).

GeneDx
Classification: Uncertain significance. Last evaluated: 2019-01-07. Review status: criteria provided, single submitter. Criteria: GeneDx Variant Classification (06012015). Collection method: clinical testing. Allele origin: germline. Affected: yes.
Comment: p.Arg311Trp (R311W) CGG>TGG: c.931 C>T in exon 3 of the PRRT2 gene (NM_145239.2)The R311W variant has not been published as a mutation, nor has it been reported as a benign polymorphism to our knowledge. It was not observed in approximately 6,500 individuals of European and African American ancestry in the NHLBI Exome Sequencing Project, indicating it is not a common benign variant in these populations. The R311W variant is a non-conservative amino acid substitution, which is likely to impact secondary protein structure as these residues differ in polarity, charge, size and/or other properties. In addition, this substitution occurs at a position that is conserved across species and in silico analysis predicts this variant is probably damaging to the protein structure/function. Some individuals with PRRT2 mutations never develop seizures due to incomplete penetrance. The variant is found in EPILEPSY panel(s).

Equipe Genetique des Anomalies du Developpement, Université de Bourgogne
Classification: Likely pathogenic for Seizures, benign familial infantile, 2. Review status: criteria provided, single submitter. Criteria: ACMG Guidelines, 2015. Collection method: clinical testing. Allele origin: maternal. Affected: yes.

Juno Genomics, Hangzhou Juno Genomics, Inc
Classification: Uncertain significance for Infantile convulsions and choreoathetosis; Episodic kinesigenic dyskinesia 1; Seizures, benign familial infantile, 2. Review status: criteria provided, single submitter. Criteria: ACMG Guidelines, 2015. Collection method: clinical testing. Allele origin: germline. Affected: yes.
Comment: Absent from controls (or at extremely low frequency if recessive) in Genome Aggregation Database, Exome Sequencing Project, 1000 Genomes Project, or Exome Aggregation Consortium.;The prevalence of the variant in affected individuals is significantly increased compared to the prevalence in controls.;Well-established in vitro or in vivo functional studies supportive of a damaging effect on the gene or gene product.;Multiple lines of computational evidence support a deleterious effect on the gene or gene product (conservation, evolutionary, splicing impact, etc).

Literature cited by the submitters: PubMed 30980674 (cited by Labcorp Genetics (formerly Invitae), Labcorp); PubMed 31124310 (cited by Labcorp Genetics (formerly Invitae), Labcorp); PubMed 26446061 (cited by Labcorp Genetics (formerly Invitae), Labcorp); PubMed 31130284 (cited by Labcorp Genetics (formerly Invitae), Labcorp); PubMed 34782754 (cited by Equipe Genetique des Anomalies du Developpement, Université de Bourgogne).